The following is an entry in ClinVar:

ClinVar aggregate classification (germline): Uncertain significance (1 of 4 stars; one submission).

gnomAD v4.1: 2 of 1,587,908 alleles (0.00013%); highest among the groups gnomAD compares: Admixed American, 0.0036%; no homozygotes.

Submission:

Labcorp Genetics (formerly Invitae), Labcorp
Classification: Uncertain significance. Last evaluated: 2025-12-14. Review status: criteria provided, single submitter. Criteria: Invitae Variant Classification Sherloc (09022015). Collection method: clinical testing. Allele origin: germline.
Comment: This sequence change falls in intron 6 of the LIPC gene. It does not directly change the encoded amino acid sequence of the LIPC protein. It affects a nucleotide within the consensus splice site. The frequency data for this variant in the population databases is considered unreliable, as metrics indicate poor data quality at this position in the gnomAD database. This variant has not been reported in the literature in individuals affected with LIPC-related conditions. Variants that disrupt the consensus splice site are a relatively common cause of aberrant splicing (PMID: 17576681, 9536098). Algorithms developed to predict the effect of sequence changes on RNA splicing suggest that this variant may disrupt the consensus splice site. In summary, the available evidence is currently insufficient to determine the role of this variant in disease. Therefore, it has been classified as a Variant of Uncertain Significance.

Literature cited by the submitters: PubMed 17576681; PubMed 9536098.

NM_000236.3(LIPC):c.1051+5G>C

Gene: LIPC (lipase C, hepatic type; plus strand). Cytogenetic location: 15q21.3.
Variant type: single nucleotide variant.
Coding change: c.1051+5G>C on transcript NM_000236.3 (MANE Select); 5 bases into the intron after coding-DNA position 1051, G replaced by C.
Molecular consequence: intron variant.
Genome position (GRCh38, 1-based): chr15:58,548,577, G>C. VCF-style: chr15-58548577-G-C. GRCh37 (hg19) VCF-style: chr15-58840776-G-C.
Identifiers: ClinVar variation 4707466 (VCV004707466.1).